The following is an entry in ClinVar:

NM_001009999.3(KDM1A):c.2258C>T (p.Ala753Val)

Gene: KDM1A (lysine demethylase 1A; plus strand). Cytogenetic location: 1p36.12.
Variant type: single nucleotide variant.
Coding change: c.2258C>T on transcript NM_001009999.3 (MANE Select); coding-DNA position 2258, C replaced by T.
Protein change: p.Ala753Val; replaces alanine 753 with valine.
Molecular consequence: missense variant.
Genome position (GRCh38, 1-based): chr1:23,081,533, C>T. VCF-style: chr1-23081533-C-T. GRCh37 (hg19) VCF-style: chr1-23408026-C-T.
Other names: c.2204C>T, p.Ala735Val (NM_001363654.2); c.2264C>T, p.Ala755Val (NM_001410762.1); c.2186C>T, p.Ala729Val (NM_001410763.1, NM_015013.4); short protein forms A735V, A729V, A755V, A753V.
Identifiers: ClinVar variation 5023087 (VCV005023087.1).
Genomic context (GRCh38, chr1:23,081,533, plus strand): 5'-GAGAAGCTGCTGGTATCATGGAAAACATAAGTGACGATGTGATTGTTGGCCGATGCCTGG[C>T]CATTCTCAAAGGGATTTTTGGTAGCAGTGCAGTACCTCAGGTAAGTAGGTAGGTGGGGCA-3'
Protein context (NP_001009999.1, residues 743-763): SDDVIVGRCL[Ala753Val]ILKGIFGSSA

ClinVar aggregate classification (germline): Uncertain significance (1 of 4 stars; one submission).

Conditions:
Inborn genetic diseases. Identifiers: MedGen C0950123, MeSH D030342.

Submission:

Ambry Genetics
Classification: Uncertain significance for Inborn genetic diseases. Last evaluated: 2026-08-04. Review status: criteria provided, single submitter. Criteria: Ambry Variant Classification Scheme 2023. Collection method: clinical testing. Allele origin: germline.
Comment: The p.A753V variant (also known as c.2258C>T), located in coding exon 19 of the KDM1A gene, results from a C to T substitution at nucleotide position 2258. The alanine at codon 753 is replaced by valine, an amino acid with similar properties. This amino acid position is conserved. In addition, this alteration is predicted to be deleterious by in silico analysis. Based on the available evidence, the clinical significance of this variant remains unclear.